The following is an entry in ClinVar:

NM_024529.5(CDC73):c.972+3A>G

Gene: CDC73 (cell division cycle 73; plus strand). Cytogenetic location: 1q31.2.
Variant type: single nucleotide variant.
Coding change: c.972+3A>G on transcript NM_024529.5 (MANE Select); 3 bases into the intron after coding-DNA position 972, A replaced by G.
Molecular consequence: intron variant.
Genome position (GRCh38, 1-based): chr1:193,152,447, A>G. VCF-style: chr1-193152447-A-G. GRCh37 (hg19) VCF-style: chr1-193121577-A-G.
Identifiers: ClinVar variation 1034754 (VCV001034754.7), dbSNP rs1676130958, ClinGen allele CA1216126714.

ClinVar aggregate classification (germline): Conflicting classifications of pathogenicity. Review status: criteria provided, conflicting classifications (1 of 4 stars). 2 submissions from 2 submitters: Uncertain significance (1); Likely benign (1). Last evaluated 2025-12-13.

Conditions:
Hereditary cancer-predisposing syndrome. Also called: Hereditary neoplastic syndrome; Neoplastic Syndromes, Hereditary; Tumor predisposition; Hereditary Cancer Syndrome. Identifiers: Orphanet 140162, MedGen C0027672, MeSH D009386, MONDO:0015356.
Parathyroid carcinoma (PRTC). Also called: Parathyroid gland carcinoma; CDC73-Related Parathyroid Carcinoma. Identifiers: Orphanet 143, MedGen C0687150, MONDO:0012004, OMIM 608266, HP:0006780.

Submissions (2):

Labcorp Genetics (formerly Invitae), Labcorp
Classification: Uncertain significance for Parathyroid carcinoma. Last evaluated: 2025-12-13. Review status: criteria provided, single submitter. Criteria: Invitae Variant Classification Sherloc (09022015). Collection method: clinical testing. Allele origin: germline.
Comment: This sequence change falls in intron 10 of the CDC73 gene. It does not directly change the encoded amino acid sequence of the CDC73 protein. It affects a nucleotide within the consensus splice site. This variant is not present in population databases (gnomAD no frequency). This variant has not been reported in the literature in individuals affected with CDC73-related conditions. ClinVar contains an entry for this variant (Variation ID: 1034754). Variants that disrupt the consensus splice site are a relatively common cause of aberrant splicing (PMID: 17576681, 9536098). Algorithms developed to predict the effect of sequence changes on RNA splicing suggest that this variant is not likely to affect RNA splicing. In summary, the available evidence is currently insufficient to determine the role of this variant in disease. Therefore, it has been classified as a Variant of Uncertain Significance.

Ambry Genetics
Classification: Likely benign for Hereditary cancer-predisposing syndrome. Last evaluated: 2019-12-10. Review status: criteria provided, single submitter. Criteria: Ambry Variant Classification Scheme 2023. Collection method: clinical testing. Allele origin: germline.

Literature cited by the submitters: PubMed 17576681 (cited by Labcorp Genetics (formerly Invitae), Labcorp); PubMed 9536098 (cited by Labcorp Genetics (formerly Invitae), Labcorp).